The following is an entry in ClinVar:

ClinVar aggregate classification (germline): Uncertain significance (1 of 4 stars; one submission).

Conditions:
Hereditary cancer-predisposing syndrome. Also called: Hereditary neoplastic syndrome; Hereditary Cancer Syndrome; Neoplastic Syndromes, Hereditary; Tumor predisposition. Identifiers: Orphanet 140162, MedGen C0027672, MeSH D009386, MONDO:0015356.

Submission:

Ambry Genetics
Classification: Uncertain significance for Hereditary cancer-predisposing syndrome. Last evaluated: 2023-03-16. Review status: criteria provided, single submitter. Criteria: Ambry Variant Classification Scheme 2023. Collection method: clinical testing. Allele origin: germline.
Comment: The p.D362E variant (also known as c.1086C>G), located in coding exon 4 of the BLM gene, results from a C to G substitution at nucleotide position 1086. The aspartic acid at codon 362 is replaced by glutamic acid, an amino acid with highly similar properties. This amino acid position is not well conserved in available vertebrate species. In addition, this alteration is predicted to be tolerated by in silico analysis. Since supporting evidence is limited at this time, the clinical significance of this alteration remains unclear.

NM_000057.4(BLM):c.1086C>G (p.Asp362Glu)

Gene: BLM (BLM RecQ like helicase; plus strand). Cytogenetic location: 15q26.1.
Variant type: single nucleotide variant.
Coding change: c.1086C>G on transcript NM_000057.4 (MANE Select); coding-DNA position 1086, C replaced by G.
Protein change: p.Asp362Glu; replaces aspartic acid 362 with glutamic acid.
Molecular consequence: missense variant. On other transcripts: 5 prime UTR variant (1).
Genome position (GRCh38, 1-based): chr15:90,754,937, C>G. VCF-style: chr15-90754937-C-G. GRCh37 (hg19) VCF-style: chr15-91298167-C-G.
Other names: c.1086C>G, p.Asp362Glu (NM_001287246.2, NM_001287247.2); c.-206C>G (NM_001287248.2); short protein forms D362E.
Identifiers: ClinVar variation 2566798 (VCV002566798.2), dbSNP rs375632163, ClinGen allele CA393842266.
Genomic context (GRCh38, chr15:90,754,937, plus strand): 5'-GTCAAAACCTGAGAAAATGAGTATGCAGGAGCTGAATCCAGAAACCAGCACAGACTGTGA[C>G]GGTACAAGCAATATTTTAGACATACCATGTATTTCAACTACTTACTTTTGAAAACAACGT-3'
Protein context (NP_000048.1, residues 352-372): ELNPETSTDC[Asp362Glu]ARQISLQQQL